The following is an entry in ClinVar:

ClinVar aggregate classification (germline): Pathogenic. Review status: criteria provided, single submitter (1 of 4 stars). 2 submissions from 2 submitters: Pathogenic (1). 1 of the submissions does not count toward it. Last evaluated 2021-06-11.

Conditions:
Basal cell nevus syndrome 1 (BCNS1). Also called: GORLIN-GOLTZ SYNDROME; MULTIPLE BASAL CELL NEVI, ODONTOGENIC KERATOCYSTS, AND SKELETAL ANOMALIES. Identifiers: MedGen CN376810, MONDO:0958174, OMIM 109400.
Gorlin syndrome. Also called: Basal cell nevus syndrome; Nevoid Basal Cell Carcinoma Syndrome. Identifiers: Orphanet 377, MedGen C0004779, MONDO:0007187.

Submissions (2):

Labcorp Genetics (formerly Invitae), Labcorp
Classification: Pathogenic for Gorlin syndrome. Last evaluated: 2021-06-11. Review status: criteria provided, single submitter. Criteria: Invitae Variant Classification Sherloc (09022015). Collection method: clinical testing. Allele origin: germline.
Comment: For these reasons, this variant has been classified as Pathogenic. This variant has not been reported in the literature in individuals with PTCH1-related conditions. This variant is not present in population databases (ExAC no frequency). This sequence change creates a premature translational stop signal (p.Ser421Phefs*16) in the PTCH1 gene. It is expected to result in an absent or disrupted protein product. Loss-of-function variants in PTCH1 are known to be pathogenic (PMID: 16301862, 16419085).

OMIM
Classification: Pathogenic for BASAL CELL NEVUS SYNDROME 1. Last evaluated: 2008-05-01. Review status: no assertion criteria provided. Collection method: literature only. Allele origin: germline. Not counted in ClinVar's aggregate classification.

Literature cited by the submitters: PubMed 16301862 (cited by Labcorp Genetics (formerly Invitae), Labcorp); PubMed 16419085 (cited by Labcorp Genetics (formerly Invitae), Labcorp); PubMed 12900905 (cited by OMIM); PubMed 18477452 (cited by OMIM).

NM_000264.5(PTCH1):c.1261dup (p.Ser421fs)

Gene: PTCH1 (patched 1; minus strand). Cytogenetic location: 9q22.32.
Variant type: Duplication.
Coding change: c.1261dup on transcript NM_000264.5 (MANE Select); coding-DNA position 1261, one base duplicated (T; older notation c.1261dupT).
Protein change: p.Ser421fs; shifts the reading frame from serine 421.
Molecular consequence: frameshift variant. On other transcripts: non-coding transcript variant (1).
Genome position (GRCh38, 1-based): chr9:95,478,141, A duplicated on the plus strand (T on the coding strand, the reverse complement: PTCH1 is on the minus strand); the first of 3 consecutive A bases (chr9:95,478,141-95,478,143); duplicating any one gives the same sequence. VCF-style (leftmost placement, unchanged base first): chr9-95478140-G-GA. GRCh37 (hg19) VCF-style: chr9-98240422-G-GA.
Other names: c.1063dup, p.Ser355fs (NM_001083602.3); c.1258dup, p.Ser420fs (NM_001083603.3); c.808dup, p.Ser270fs (NM_001083604.3, NM_001083605.3, NM_001083606.3 and 1 more transcripts); c.1261dup, p.Ser421fs (NM_001354918.2); short protein forms S270fs, S355fs, S420fs, S421fs.
Identifiers: ClinVar variation 8226 (VCV000008226.8), dbSNP rs2118336503, ClinGen allele CA2573053208.